The following is an entry in ClinVar:

NM_182641.4(BPTF):c.316GGC[5] (p.Gly109_His110insGly)

Gene: BPTF (bromodomain PHD finger transcription factor; plus strand). Cytogenetic location: 17q24.2.
Variant type: Microsatellite.
Coding change: c.316GGC[5] on transcript NM_182641.4 (MANE Select); five copies in a row of the 3-base unit GGC starting at c.316; the reference has four copies in a row; one copy, 3 bases duplicated.
Protein change: p.Gly109_His110insGly.
Genome position (GRCh38, 1-based): chr17:67,826,049-67,826,051, GGC duplicated; duplicating any 3 consecutive bases within chr17:67,826,040-67,826,051 gives the same sequence; the position shown is the placement nearest the transcript's 3' end. VCF-style (leftmost placement, unchanged base first): chr17-67826039-G-GGGC. GRCh37 (hg19) VCF-style: chr17-65822155-G-GGGC.
Other names: c.316GGC[5], p.Gly109_His110insGly (NM_004459.7).
Identifiers: ClinVar variation 3686276 (VCV003686276.2).
Genomic context (GRCh38, chr17:67,826,039, plus strand): 5'-CAGCACCAGCGCCCCGGGCCGGGGGGGGCGAGGAGGCGGGGGCGGCAGGACGGGGGGCGG[G>GGGC]GGCGGCGGCGGCCACCTGGCCCGGACCACCGCGGCCCGGAGGGCCGTCAACAAAGTGGTG-3'

ClinVar aggregate classification (germline): Uncertain significance (1 of 4 stars; one submission).

Submission:

Labcorp Genetics (formerly Invitae), Labcorp
Classification: Uncertain significance. Last evaluated: 2024-12-10. Review status: criteria provided, single submitter. Criteria: Invitae Variant Classification Sherloc (09022015). Collection method: clinical testing. Allele origin: germline.
Comment: This variant, c.325_327dup, results in the insertion of 1 amino acid(s) of the BPTF protein (p.Gly109dup), but otherwise preserves the integrity of the reading frame. The frequency data for this variant in the population databases is considered unreliable, as metrics indicate insufficient coverage at this position in the gnomAD database. This variant has not been reported in the literature in individuals affected with BPTF-related conditions. In summary, the available evidence is currently insufficient to determine the role of this variant in disease. Therefore, it has been classified as a Variant of Uncertain Significance.